The following is an entry in ClinVar:

NM_016169.4(SUFU):c.155T>C (p.Leu52Pro)

Gene: SUFU (SUFU negative regulator of hedgehog signaling; plus strand). Cytogenetic location: 10q24.32.
Variant type: single nucleotide variant.
Coding change: c.155T>C on transcript NM_016169.4 (MANE Select); coding-DNA position 155, T replaced by C.
Protein change: p.Leu52Pro; replaces leucine 52 with proline.
Molecular consequence: missense variant.
Genome position (GRCh38, 1-based): chr10:102,504,307, T>C. VCF-style: chr10-102504307-T-C. GRCh37 (hg19) VCF-style: chr10-104264064-T-C.
Other names: c.155T>C, p.Leu52Pro (NM_001178133.2); short protein forms L52P.
Identifiers: ClinVar variation 3755390 (VCV003755390.3).

ClinVar aggregate classification (germline): Uncertain significance. Review status: criteria provided, multiple submitters, no conflicts (2 of 4 stars). 2 submissions from 2 submitters: Uncertain significance (2). Last evaluated 2025-06-29.

Conditions:
Hereditary cancer-predisposing syndrome. Also called: Neoplastic Syndromes, Hereditary; Tumor predisposition; Hereditary Cancer Syndrome; Hereditary neoplastic syndrome. Identifiers: Orphanet 140162, MedGen C0027672, MeSH D009386, MONDO:0015356.
Gorlin syndrome. Also called: Nevoid Basal Cell Carcinoma Syndrome; Basal cell nevus syndrome. Identifiers: Orphanet 377, MedGen C0004779, MONDO:0007187.
Medulloblastoma (MDB). Also called: Medulloblastoma, somatic; MEDULLOBLASTOMA PREDISPOSITION SYNDROME. Identifiers: Orphanet 616, MedGen C0025149, MeSH D008527, MONDO:0007959, OMIM 155255, HP:0002885.

Submissions (2):

Ambry Genetics
Classification: Uncertain significance for Hereditary cancer-predisposing syndrome. Last evaluated: 2025-06-29. Review status: criteria provided, single submitter. Criteria: Ambry Variant Classification Scheme 2023. Collection method: clinical testing. Allele origin: germline.
Comment: The p.L52P variant (also known as c.155T>C), located in coding exon 1 of the SUFU gene, results from a T to C substitution at nucleotide position 155. The leucine at codon 52 is replaced by proline, an amino acid with similar properties. This amino acid position is conserved. In addition, this alteration is predicted to be deleterious by in silico analysis. Based on the available evidence, the clinical significance of this variant remains unclear.

Labcorp Genetics (formerly Invitae), Labcorp
Classification: Uncertain significance for Gorlin syndrome; Medulloblastoma. Last evaluated: 2024-03-19. Review status: criteria provided, single submitter. Criteria: Invitae Variant Classification Sherloc (09022015). Collection method: clinical testing. Allele origin: germline.
Comment: This sequence change replaces leucine, which is neutral and non-polar, with proline, which is neutral and non-polar, at codon 52 of the SUFU protein (p.Leu52Pro). This variant is not present in population databases (gnomAD no frequency). This variant has not been reported in the literature in individuals affected with SUFU-related conditions. Advanced modeling of protein sequence and biophysical properties (such as structural, functional, and spatial information, amino acid conservation, physicochemical variation, residue mobility, and thermodynamic stability) performed at Invitae indicates that this missense variant is expected to disrupt SUFU protein function with a positive predictive value of 80%. In summary, the available evidence is currently insufficient to determine the role of this variant in disease. Therefore, it has been classified as a Variant of Uncertain Significance.